The following is an entry in ClinVar:

NM_006944.3(SPP2):c.358G>A (p.Val120Met)

Gene: SPP2 (secreted phosphoprotein 2; plus strand). Cytogenetic location: 2q37.1.
Variant type: single nucleotide variant.
Coding change: c.358G>A on transcript NM_006944.3 (MANE Select); coding-DNA position 358, G replaced by A.
Protein change: p.Val120Met; replaces valine 120 with methionine.
Molecular consequence: missense variant.
Genome position (GRCh38, 1-based): chr2:234,060,393, G>A. VCF-style: chr2-234060393-G-A. GRCh37 (hg19) VCF-style: chr2-234969037-G-A.
Other names: short protein forms V120M.
Identifiers: ClinVar variation 845166 (VCV000845166.12), dbSNP rs141839502, ClinGen allele CA2183174.
Genomic context (GRCh38, chr2:234,060,393, plus strand): 5'-AGCTGAAGAGAGAACTCACCCCTTTGTCTTTTCCAGTCCACAGCTGTTTGCAGAAGCACC[G>A]TGAAGGTATCTGCCCAGCAGGTGCAGGGCGTGCATGCTCGCTGCAGCTGGTCCTCCTCCA-3'
Protein context (NP_008875.1, residues 110-130): YVSTAVCRST[Val120Met]KVSAQQVQGV

ClinVar aggregate classification (germline): Uncertain significance. Review status: criteria provided, single submitter (1 of 4 stars). 2 submissions from 2 submitters: Uncertain significance (1). 1 of the submissions does not count toward it. Last evaluated 2025-10-27.

Conditions:
Retinal dystrophy. Also called: Inherited retinal dystrophy. Identifiers: Orphanet 71862, MedGen C0854723, MeSH D058499, MONDO:0019118, HP:0000556.

Allele frequency attached by ClinVar (database versions not stated): gnomAD 0.00001 and 0.00002; TOPMed 0.00002; ESP Exome Variant Server 0.00008; 1000 Genomes Project 30x 0.00016; gnomAD exomes 0.00019; 1000 Genomes Project 0.00020; ExAC 0.00031.
gnomAD v4.1: 120 of 1,613,972 alleles (0.0074%); highest among the groups gnomAD compares: South Asian, 0.093%; 1 homozygote.

Submissions (2):

Labcorp Genetics (formerly Invitae), Labcorp
Classification: Uncertain significance. Last evaluated: 2025-10-27. Review status: criteria provided, single submitter. Criteria: Invitae Variant Classification Sherloc (09022015). Collection method: clinical testing. Allele origin: germline.
Comment: This sequence change replaces valine, which is neutral and non-polar, with methionine, which is neutral and non-polar, at codon 120 of the SPP2 protein (p.Val120Met). This variant is present in population databases (rs141839502, gnomAD 0.1%), and has an allele count higher than expected for a pathogenic variant. This variant has not been reported in the literature in individuals affected with SPP2-related conditions. ClinVar contains an entry for this variant (Variation ID: 845166). An algorithm developed to predict the effect of missense changes on protein structure and function (PolyPhen-2) suggests that this variant is likely to be disruptive. In summary, the available evidence is currently insufficient to determine the role of this variant in disease. Therefore, it has been classified as a Variant of Uncertain Significance.

Institute of Human Genetics, Univ. Regensburg, Univ. Regensburg
Classification: Uncertain significance for Retinal dystrophy. Last evaluated: 2023-01-01. Review status: no assertion criteria provided. Criteria: ACMG Guidelines, 2015. Collection method: clinical testing. Allele origin: germline. Affected: yes. Not counted in ClinVar's aggregate classification.